The following is an entry in ClinVar:

ClinVar aggregate classification (germline): Uncertain significance (1 of 4 stars; one submission).

Conditions:
Neurofibromatosis, type 1 (NF1). Also called: VON RECKLINGHAUSEN DISEASE; Peripheral type neurofibromatosis; NEUROFIBROMATOSIS, TYPE I, SOMATIC; Neurofibromatosis, type I. Identifiers: Orphanet 636, MedGen C0027831, MONDO:0018975, OMIM 162200. Disease mechanism: loss of function.

Submission:

Labcorp Genetics (formerly Invitae), Labcorp
Classification: Uncertain significance for Neurofibromatosis, type 1. Last evaluated: 2024-07-15. Review status: criteria provided, single submitter. Criteria: Invitae Variant Classification Sherloc (09022015). Collection method: clinical testing. Allele origin: germline.
Comment: This sequence change replaces asparagine, which is neutral and polar, with lysine, which is basic and polar, at codon 390 of the NF1 protein (p.Asn390Lys). This variant is not present in population databases (gnomAD no frequency). This variant has not been reported in the literature in individuals affected with NF1-related conditions. Advanced modeling of protein sequence and biophysical properties (such as structural, functional, and spatial information, amino acid conservation, physicochemical variation, residue mobility, and thermodynamic stability) performed at Invitae indicates that this missense variant is not expected to disrupt NF1 protein function with a negative predictive value of 95%. In summary, the available evidence is currently insufficient to determine the role of this variant in disease. Therefore, it has been classified as a Variant of Uncertain Significance.

NM_001042492.3(NF1):c.1170C>G (p.Asn390Lys)

Gene: NF1 (neurofibromin 1; plus strand). Cytogenetic location: 17q11.2.
Variant type: single nucleotide variant.
Coding change: c.1170C>G on transcript NM_001042492.3 (MANE Select); coding-DNA position 1170, C replaced by G.
Protein change: p.Asn390Lys; replaces asparagine 390 with lysine.
Molecular consequence: missense variant.
Genome position (GRCh38, 1-based): chr17:31,201,144, C>G. VCF-style: chr17-31201144-C-G. GRCh37 (hg19) VCF-style: chr17-29528162-C-G.
Other names: c.1170C>G, p.Asn390Lys (NM_001128147.3, NM_000267.4); short protein forms N390K.
Identifiers: ClinVar variation 3634495 (VCV003634495.2).